The following is an entry in ClinVar:

ClinVar aggregate classification (germline): Uncertain significance (1 of 4 stars; one submission).

Conditions:
Ullrich congenital muscular dystrophy 2 (UCMD2). Identifiers: Orphanet 75840, MedGen C4225314, MONDO:0014654, OMIM 616470.
Bethlem myopathy 2 (BTHLM2). Identifiers: Orphanet 536516, Orphanet 610, MedGen C4225313, MONDO:0034022, OMIM 616471.

Allele frequency attached by ClinVar (database versions not stated): gnomAD exomes below 0.00001.
gnomAD v4.1: 2 of 1,607,370 alleles (0.00012%); highest among the groups gnomAD compares: Non-Finnish European, 0.000085%; no homozygotes.

Submission:

Labcorp Genetics (formerly Invitae), Labcorp
Classification: Uncertain significance for Bethlem myopathy 2; Ullrich congenital muscular dystrophy 2. Last evaluated: 2022-10-26. Review status: criteria provided, single submitter. Criteria: Invitae Variant Classification Sherloc (09022015). Collection method: clinical testing. Allele origin: germline.
Comment: This variant is not present in population databases (gnomAD no frequency). This sequence change falls in intron 16 of the COL12A1 gene. It does not directly change the encoded amino acid sequence of the COL12A1 protein. This variant has not been reported in the literature in individuals affected with COL12A1-related conditions. Algorithms developed to predict the effect of sequence changes on RNA splicing suggest that this variant may disrupt the consensus splice site. In summary, the available evidence is currently insufficient to determine the role of this variant in disease. Therefore, it has been classified as a Variant of Uncertain Significance.

NM_004370.6(COL12A1):c.3444-6T>G

Gene: COL12A1 (collagen type XII alpha 1 chain; minus strand). Cytogenetic location: 6q13.
Variant type: single nucleotide variant.
Coding change: c.3444-6T>G on transcript NM_004370.6 (MANE Select); 6 bases into the intron before coding-DNA position 3444, T replaced by G.
Molecular consequence: intron variant.
Genome position (GRCh38, 1-based): chr6:75,154,543, A>C on the plus strand (T>G on the coding strand, the complement: COL12A1 is on the minus strand). VCF-style: chr6-75154543-A-C. GRCh37 (hg19) VCF-style: chr6-75864259-A-C.
Other names: c.74-2061T>G (NM_080645.3).
Identifiers: ClinVar variation 2038827 (VCV002038827.4), dbSNP rs2533413607, ClinGen allele CA2580075812.